The following is an entry in ClinVar:

ClinVar aggregate classification (germline): Uncertain significance (1 of 4 stars; one submission).

gnomAD v4.1: 1 of 1,541,728 alleles (0.000065%); highest among the groups gnomAD compares: Non-Finnish European, 0.000087%; no homozygotes.

Submission:

Ambry Genetics
Classification: Uncertain significance. Last evaluated: 2025-05-23. Review status: criteria provided, single submitter. Criteria: Ambry Variant Classification Scheme 2023. Collection method: clinical testing. Allele origin: germline.
Comment: The p.S38F variant (also known as c.113C>T), located in coding exon 1 of the ATRIP gene, results from a C to T substitution at nucleotide position 113. The serine at codon 38 is replaced by phenylalanine, an amino acid with highly dissimilar properties. This amino acid position is conserved. In addition, this alteration is predicted to be tolerated by in silico analysis. Based on the available evidence, the clinical significance of this variant remains unclear.

NM_130384.3(ATRIP):c.113C>T (p.Ser38Phe)

Genes: ATRIP (ATR interacting protein; plus strand), ATRIP-TREX1 (ATRIP-TREX1 readthrough; plus strand), LOC129936703 (ATAC-STARR-seq lymphoblastoid silent region 14331; plus strand). Cytogenetic location: 3p21.31.
Variant type: single nucleotide variant.
Coding change: c.113C>T on transcript NM_130384.3 (MANE Select); coding-DNA position 113, C replaced by T.
Protein change: p.Ser38Phe; replaces serine 38 with phenylalanine.
Molecular consequence: missense variant. On other transcripts: non-coding transcript variant (1), intron variant (1).
Genome position (GRCh38, 1-based): chr3:48,446,958, C>T. VCF-style: chr3-48446958-C-T. GRCh37 (hg19) VCF-style: chr3-48488362-C-T.
Other names: c.113C>T, p.Ser38Phe (NM_032166.4); c.-218+159C>T (NM_001271022.2); short protein forms S38F.
Identifiers: ClinVar variation 3976777 (VCV003976777.1).
Genomic context (GRCh38, chr3:48,446,958, plus strand): 5'-CTCGCCCCGGCCCGCCGCCGGGCACCGGGCACCCCCCGAGCAAGCGGGCCCGGGGCTTCT[C>T]CGCAGCCGCTGCCCCGGACCCTGACGACCCGTTCGGCGCGCATGGGGACTTCACTGCCGA-3'
Protein context (NP_569055.1, residues 28-48): HPPSKRARGF[Ser38Phe]AAAAPDPDDP